The following is an entry in ClinVar:

ClinVar aggregate classification (germline): Uncertain significance. Review status: criteria provided, multiple submitters, no conflicts (2 of 4 stars). 3 submissions from 3 submitters: Uncertain significance (3). Last evaluated 2025-11-24.

Conditions:
Primary ciliary dyskinesia. Also called: Ciliary dyskinesia. Identifiers: Orphanet 244, MedGen C0008780, MONDO:0016575, HP:0012265.
Primary ciliary dyskinesia 23 (CILD23). Also called: CILIARY DYSKINESIA, PRIMARY, 23, WITH OR WITHOUT SITUS INVERSUS. Identifiers: Orphanet 244, MedGen C3809548, MONDO:0014193, OMIM 615451.

Allele frequency attached by ClinVar (database versions not stated): gnomAD exomes 0.00002 and 0.00008; TOPMed 0.00003; ExAC 0.00004; gnomAD 0.00004 and 0.00005; ESP Exome Variant Server 0.00015; 1000 Genomes Project 30x 0.00016; 1000 Genomes Project 0.00020.

Submissions (3):

Labcorp Genetics (formerly Invitae), Labcorp
Classification: Uncertain significance for Primary ciliary dyskinesia 23. Last evaluated: 2025-11-24. Review status: criteria provided, single submitter. Criteria: Invitae Variant Classification Sherloc (09022015). Collection method: clinical testing. Allele origin: germline.
Comment: This sequence change replaces glycine, which is neutral and non-polar, with aspartic acid, which is acidic and polar, at codon 495 of the ARMC4 protein (p.Gly495Asp). This variant is present in population databases (rs138924660, gnomAD 0.005%). This variant has not been reported in the literature in individuals affected with ARMC4-related conditions. ClinVar contains an entry for this variant (Variation ID: 1057073). An algorithm developed to predict the effect of missense changes on protein structure and function (PolyPhen-2) suggests that this variant is likely to be disruptive. In summary, the available evidence is currently insufficient to determine the role of this variant in disease. Therefore, it has been classified as a Variant of Uncertain Significance.

Ambry Genetics
Classification: Uncertain significance for Primary ciliary dyskinesia. Last evaluated: 2023-11-05. Review status: criteria provided, single submitter. Criteria: Ambry Variant Classification Scheme 2023. Collection method: clinical testing. Allele origin: germline.
Comment: The p.G495D variant (also known as c.1484G>A), located in coding exon 10 of the ARMC4 gene, results from a G to A substitution at nucleotide position 1484. The glycine at codon 495 is replaced by aspartic acid, an amino acid with similar properties. This amino acid position is conserved. In addition, this alteration is predicted to be deleterious by in silico analysis. Since supporting evidence is limited at this time, the clinical significance of this alteration remains unclear.

Blueprint Genetics
Classification: Uncertain significance. Last evaluated: 2023-07-07. Review status: criteria provided, single submitter. Criteria: ACMG Guidelines, 2015. Collection method: clinical testing. Allele origin: germline.

NM_018076.5(ODAD2):c.1484G>A (p.Gly495Asp)

Gene: ODAD2 (outer dynein arm docking complex subunit 2; minus strand). Cytogenetic location: 10p12.1.
Variant type: single nucleotide variant.
Coding change: c.1484G>A on transcript NM_018076.5 (MANE Select); coding-DNA position 1484, G replaced by A.
Protein change: p.Gly495Asp; replaces glycine 495 with aspartic acid.
Molecular consequence: missense variant.
Genome position (GRCh38, 1-based): chr10:27,944,865, C>T on the plus strand (G>A on the coding strand, the complement: ODAD2 is on the minus strand). VCF-style: chr10-27944865-C-T. GRCh37 (hg19) VCF-style: chr10-28233794-C-T.
Other names: c.1484G>A, p.Gly495Asp (NM_001290020.2); c.59G>A, p.Gly20Asp (NM_001290021.2); c.560G>A, p.Gly187Asp (NM_001312689.2); c.1484G>A (NM_018076.2); short protein forms G187D, G20D, G495D.
Identifiers: ClinVar variation 1057073 (VCV001057073.10), dbSNP rs138924660, ClinGen allele CA5453526.